The following is an entry in ClinVar:

ClinVar aggregate classification (germline): Uncertain significance. Review status: criteria provided, multiple submitters, no conflicts (2 of 4 stars). 2 submissions from 2 submitters: Uncertain significance (2). Last evaluated 2022-08-09.

Conditions:
Nephrolithiasis/nephrocalcinosis. Identifiers: MedGen CN580796.
Familial hypocalciuric hypercalcemia (FHH). Also called: Familial benign hypercalcemia. Identifiers: Orphanet 405, MedGen C1809471, MONDO:0018458.
Autosomal dominant hypocalcemia 1 (HYPOC1). Also called: HYPOCALCEMIA, FAMILIAL. Identifiers: MedGen C3715128, MONDO:0011013, OMIM 601198.

Submissions (2):

Ambry Genetics
Classification: Uncertain significance for Nephrolithiasis/nephrocalcinosis. Last evaluated: 2022-08-09. Review status: criteria provided, single submitter. Criteria: Ambry Variant Classification Scheme 2023. Collection method: clinical testing. Allele origin: germline.
Comment: The p.Q932E variant (also known as c.2794C>G), located in coding exon 6 of the CASR gene, results from a C to G substitution at nucleotide position 2794. The glutamine at codon 932 is replaced by glutamic acid, an amino acid with highly similar properties. This amino acid position is conserved. In addition, this alteration is predicted to be tolerated by in silico analysis. Since supporting evidence is limited at this time, the clinical significance of this alteration remains unclear.

Labcorp Genetics (formerly Invitae), Labcorp
Classification: Uncertain significance for Familial hypocalciuric hypercalcemia; Autosomal dominant hypocalcemia 1. Last evaluated: 2021-11-02. Review status: criteria provided, single submitter. Criteria: Invitae Variant Classification Sherloc (09022015). Collection method: clinical testing. Allele origin: germline.
Comment: This sequence change replaces glutamine, which is neutral and polar, with glutamic acid, which is acidic and polar, at codon 932 of the CASR protein (p.Gln932Glu). This variant is not present in population databases (gnomAD no frequency). This variant has not been reported in the literature in individuals affected with CASR-related conditions. Algorithms developed to predict the effect of missense changes on protein structure and function output the following: SIFT: "Tolerated"; PolyPhen-2: "Benign"; Align-GVGD: "Class C0". The glutamic acid amino acid residue is found in multiple mammalian species, which suggests that this missense change does not adversely affect protein function. In summary, the available evidence is currently insufficient to determine the role of this variant in disease. Therefore, it has been classified as a Variant of Uncertain Significance.

NM_000388.4(CASR):c.2794C>G (p.Gln932Glu)

Gene: CASR (calcium sensing receptor; plus strand). Cytogenetic location: 3q21.1.
Variant type: single nucleotide variant.
Coding change: c.2794C>G on transcript NM_000388.4 (MANE Select); coding-DNA position 2794, C replaced by G.
Protein change: p.Gln932Glu; replaces glutamine 932 with glutamic acid.
Molecular consequence: missense variant.
Genome position (GRCh38, 1-based): chr3:122,284,748, C>G. VCF-style: chr3-122284748-C-G. GRCh37 (hg19) VCF-style: chr3-122003595-C-G.
Other names: c.2824C>G, p.Gln942Glu (NM_001178065.2); short protein forms Q942E, Q932E.
Identifiers: ClinVar variation 1486335 (VCV001486335.8), dbSNP rs2107651215, ClinGen allele CA354160784.